The following is an entry in ClinVar:

NM_021830.5(TWNK):c.1325dup (p.Gly442_Ser443insTer)

Gene: TWNK (twinkle mtDNA helicase; plus strand). Cytogenetic location: 10q24.31.
Variant type: Duplication.
Coding change: c.1325dup on transcript NM_021830.5 (MANE Select); coding-DNA position 1325, one base duplicated (G; older notation c.1325dupG).
Protein change: p.Gly442_Ser443insTer.
Molecular consequence: frameshift variant. On other transcripts: 5 prime UTR variant (3), non-coding transcript variant (5).
Genome position (GRCh38, 1-based): chr10:100,989,725, G duplicated; the last of 4 consecutive G bases (chr10:100,989,722-100,989,725); duplicating any one gives the same sequence. VCF-style (leftmost placement, unchanged base first): chr10-100989721-T-TG. GRCh37 (hg19) VCF-style: chr10-102749478-T-TG.
Other names: c.1325dup, p.Gly442_Ser443insTer (NM_001163812.2); c.-38dup (NM_001163813.2, NM_001163814.2, NM_001368275.1).
Identifiers: ClinVar variation 2806473 (VCV002806473.4), dbSNP rs1564809125, ClinGen allele CA595644168.

ClinVar aggregate classification (germline): Pathogenic. Review status: criteria provided, multiple submitters, no conflicts (2 of 4 stars). 2 submissions from 2 submitters: Pathogenic (2). Last evaluated 2026-08-01.

Submissions (2):

CeGaT Center for Human Genetics Tuebingen
Classification: Pathogenic. Last evaluated: 2026-08-01. Review status: criteria provided, single submitter. Criteria: CeGaT Center For Human Genetics Tuebingen Variant Classification Criteria Version 2. Collection method: clinical testing. Allele origin: germline. Affected: yes. Observed: 1 variant allele.
Comment: TWNK: PVS1, PM2

Labcorp Genetics (formerly Invitae), Labcorp
Classification: Pathogenic. Last evaluated: 2023-04-12. Review status: criteria provided, single submitter. Criteria: Invitae Variant Classification Sherloc (09022015). Collection method: clinical testing. Allele origin: germline.
Comment: This sequence change creates a premature translational stop signal (p.Ser443*) in the TWNK gene. It is expected to result in an absent or disrupted protein product. Loss-of-function variants in TWNK are known to be pathogenic (PMID: 21681116, 27551684, 31455392). This variant is present in population databases (no rsID available, gnomAD 0.002%). For these reasons, this variant has been classified as Pathogenic. Algorithms developed to predict the effect of sequence changes on RNA splicing suggest that this variant may create or strengthen a splice site. This variant has not been reported in the literature in individuals affected with TWNK-related conditions.

Literature cited by the submitters: PubMed 21681116 (cited by Labcorp Genetics (formerly Invitae), Labcorp); PubMed 27551684 (cited by Labcorp Genetics (formerly Invitae), Labcorp); PubMed 31455392 (cited by Labcorp Genetics (formerly Invitae), Labcorp).